The following is an entry in ClinVar:

ClinVar aggregate classification (germline): Likely pathogenic (1 of 4 stars; one submission).

Allele frequency attached by ClinVar (database versions not stated): gnomAD exomes below 0.00001.
gnomAD v4.1: 1 of 1,613,846 alleles (0.000062%); no homozygotes.

Submission:

CeGaT Center for Human Genetics Tuebingen
Classification: Likely pathogenic. Last evaluated: 2023-10-01. Review status: criteria provided, single submitter. Criteria: CeGaT Center For Human Genetics Tuebingen Variant Classification Criteria Version 2. Collection method: clinical testing. Allele origin: germline. Affected: yes. Observed: 3 variant alleles.
Comment: THOC6: PM3:Strong, PM2, PP3

NM_024339.5(THOC6):c.553T>C (p.Ser185Pro)

Gene: THOC6 (THO complex subunit 6; plus strand). Cytogenetic location: 16p13.3.
Variant type: single nucleotide variant.
Coding change: c.553T>C on transcript NM_024339.5 (MANE Select); coding-DNA position 553, T replaced by C.
Protein change: p.Ser185Pro; replaces serine 185 with proline.
Molecular consequence: missense variant.
Genome position (GRCh38, 1-based): chr16:3,026,748, T>C. VCF-style: chr16-3026748-T-C. GRCh37 (hg19) VCF-style: chr16-3076749-T-C.
Other names: c.553T>C, p.Ser185Pro (NM_001142350.3, NM_001347704.2); c.481T>C, p.Ser161Pro (NM_001347703.2); short protein forms S185P, S161P.
Identifiers: ClinVar variation 870677 (VCV000870677.41), dbSNP rs1335063379, ClinGen allele CA394470186.